The following is an entry in ClinVar:

NM_002230.4(JUP):c.608G>A (p.Arg203His)

Gene: JUP (junction plakoglobin; minus strand). Cytogenetic location: 17q21.2.
Variant type: single nucleotide variant.
Coding change: c.608G>A on transcript NM_002230.4 (MANE Select); coding-DNA position 608, G replaced by A.
Protein change: p.Arg203His; replaces arginine 203 with histidine.
Molecular consequence: missense variant.
Genome position (GRCh38, 1-based): chr17:41,769,068, C>T on the plus strand (G>A on the coding strand, the complement: JUP is on the minus strand). VCF-style: chr17-41769068-C-T. GRCh37 (hg19) VCF-style: chr17-39925320-C-T.
Other names: c.608G>A, p.Arg203His (NM_001352773.2, NM_001352774.2, NM_001352775.2 and 3 more transcripts); c.608G>A (NM_002230.3); short protein forms R203H.
Identifiers: ClinVar variation 645672 (VCV000645672.18), dbSNP rs200221163, ClinGen allele CA8565431.

ClinVar aggregate classification (germline): Conflicting classifications of pathogenicity. Review status: criteria provided, conflicting classifications (1 of 4 stars). 6 submissions from 6 submitters: Uncertain significance (5); Likely benign (1). Last evaluated 2025-10-29.

Conditions:
Cardiovascular phenotype. Identifiers: MedGen CN230736.
Naxos disease (NXD). Also called: KERATOSIS PALMOPLANTARIS WITH ARRHYTHMOGENIC CARDIOMYOPATHY; MAL DE NAXOS; CARDIOMYOPATHY, ARRHYTHMOGENIC RIGHT VENTRICULAR, WITH SKIN, HAIR, AND NAIL ABNORMALITIES; PALMOPLANTAR KERATODERMA WITH ARRHYTHMOGENIC RIGHT VENTRICULAR CARDIOMYOPATHY AND WOOLLY HAIR; WOOLLY HAIR, PALMOPLANTAR KERATODERMA, AND CARDIAC ABNORMALITIES. Identifiers: Orphanet 34217, MedGen C1832600, MONDO:0011017, OMIM 601214.
Arrhythmogenic right ventricular dysplasia 12. Also called: ARRHYTHMOGENIC RIGHT VENTRICULAR DYSPLASIA, FAMILIAL, 12. Identifiers: MedGen C1969081, MONDO:0012684, OMIM 611528.

Allele frequency attached by ClinVar (database versions not stated): gnomAD exomes 0.00003 and 0.00005; ExAC 0.00004; TOPMed 0.00005; gnomAD 0.00010; 1000 Genomes Project 30x 0.00031; 1000 Genomes Project 0.00040.
gnomAD v4.1: 79 of 1,613,116 alleles (0.0049%); highest among the groups gnomAD compares: Middle Eastern, 0.017%; no homozygotes.

Submissions (6):

GeneDx
Classification: Uncertain significance. Last evaluated: 2025-10-29. Review status: criteria provided, single submitter. Criteria: GeneDx Variant Classification Process June 2021. Collection method: clinical testing. Allele origin: germline. Affected: yes.
Comment: Identified in a patient with sudden cardiac death in published literature (PMID: 35091851); In silico analysis supports that this missense variant has a deleterious effect on protein structure/function; This variant is associated with the following publications: (PMID: 27915290, 35091851)

Labcorp Genetics (formerly Invitae), Labcorp
Classification: Uncertain significance for Arrhythmogenic right ventricular dysplasia 12; Naxos disease. Last evaluated: 2025-09-21. Review status: criteria provided, single submitter. Criteria: Invitae Variant Classification Sherloc (09022015). Collection method: clinical testing. Allele origin: germline.
Comment: This sequence change replaces arginine, which is basic and polar, with histidine, which is basic and polar, at codon 203 of the JUP protein (p.Arg203His). This variant is present in population databases (rs200221163, gnomAD 0.01%). This missense change has been observed in individual(s) with sudden unexplained death (PMID: 35091851). ClinVar contains an entry for this variant (Variation ID: 645672). An algorithm developed to predict the effect of missense changes on protein structure and function (PolyPhen-2) suggests that this variant is likely to be disruptive. In summary, the available evidence is currently insufficient to determine the role of this variant in disease. Therefore, it has been classified as a Variant of Uncertain Significance.

Molecular Diagnostic Laboratory for Inherited Cardiovascular Disease, Montreal Heart Institute
Classification: Uncertain significance for Cardiovascular phenotype. Last evaluated: 2025-04-09. Review status: criteria provided, single submitter. Criteria: ACMG Guidelines, 2015. Collection method: clinical testing. Allele origin: germline. Affected: yes.

Blueprint Genetics
Classification: Uncertain significance. Last evaluated: 2024-09-20. Review status: criteria provided, single submitter. Criteria: ACMG Guidelines, 2015. Collection method: clinical testing. Allele origin: germline.

Ambry Genetics
Classification: Likely benign for Cardiovascular phenotype. Last evaluated: 2023-09-05. Review status: criteria provided, single submitter. Criteria: Ambry Variant Classification Scheme 2023. Collection method: clinical testing. Allele origin: germline.

Fulgent Genetics
Classification: Uncertain significance for Naxos disease; Arrhythmogenic right ventricular dysplasia 12. Last evaluated: 2021-09-03. Review status: criteria provided, single submitter. Criteria: ACMG Guidelines, 2015. Collection method: clinical testing. Allele origin: unknown.

Literature cited by the submitters: PubMed 35091851 (cited by Labcorp Genetics (formerly Invitae), Labcorp and Ambry Genetics).